The following is an entry in ClinVar:

NM_001003841.3(SLC6A19):c.1720C>T (p.Gln574Ter)

Gene: SLC6A19 (solute carrier family 6 member 19; plus strand). Cytogenetic location: 5p15.33.
Variant type: single nucleotide variant.
Coding change: c.1720C>T on transcript NM_001003841.3 (MANE Select); coding-DNA position 1720, C replaced by T.
Protein change: p.Gln574Ter; replaces glutamine 574 with a stop codon.
Molecular consequence: nonsense.
Genome position (GRCh38, 1-based): chr5:1,221,719, C>T. VCF-style: chr5-1221719-C-T. GRCh37 (hg19) VCF-style: chr5-1221834-C-T.
Other names: short protein forms Q574*.
Identifiers: ClinVar variation 4887480 (VCV004887480.1).

ClinVar aggregate classification (germline): Uncertain significance (1 of 4 stars; one submission).

gnomAD v4.1: 1 of 1,614,024 alleles (0.000062%); highest among the groups gnomAD compares: Non-Finnish European, 0.000085%; no homozygotes.

Submission:

Women's Health and Genetics/Laboratory Corporation of America, LabCorp
Classification: Uncertain significance. Last evaluated: 2026-06-05. Review status: criteria provided, single submitter. Criteria: LabCorp Variant Classification Summary - May 2015. Collection method: clinical testing. Allele origin: germline.
Comment: Variant summary: SLC6A19 c.1720C>T (p.Gln574X) results in a premature termination codon, predicted to cause a truncation of the encoded protein in the last exon, however, nonsense mediated decay is not expected to occur. The variant allele was found at a frequency of 4e-06 in 250692 control chromosomes. The available data on variant occurrences in the general population are insufficient to allow any conclusion about variant significance. To our knowledge, no occurrence of c.1720C>T in individuals affected with SLC6A19-related conditions and no experimental evidence demonstrating its impact on protein function have been reported. No submitters have cited clinical-significance assessments for this variant to ClinVar. Based on the evidence outlined above, the variant was classified as uncertain significance.